The following is an entry in ClinVar:

NM_017999.5(RNF31):c.173G>A (p.Arg58His)

Gene: RNF31 (ring finger protein 31; plus strand). Cytogenetic location: 14q12.
Variant type: single nucleotide variant.
Coding change: c.173G>A on transcript NM_017999.5 (MANE Select); coding-DNA position 173, G replaced by A.
Protein change: p.Arg58His; replaces arginine 58 with histidine.
Molecular consequence: missense variant. On other transcripts: intron variant (1).
Genome position (GRCh38, 1-based): chr14:24,147,871, G>A. VCF-style: chr14-24147871-G-A. GRCh37 (hg19) VCF-style: chr14-24617080-G-A.
Other names: c.173G>A (NM_017999.4); c.-325-105G>A (NM_001310332.2); short protein forms R58H.
Identifiers: ClinVar variation 1439317 (VCV001439317.7), dbSNP rs201926987, ClinGen allele CA7125374.

ClinVar aggregate classification (germline): Uncertain significance. Review status: criteria provided, multiple submitters, no conflicts (2 of 4 stars). 2 submissions from 2 submitters: Uncertain significance (2). Last evaluated 2025-09-14.

Allele frequency attached by ClinVar (database versions not stated): ESP Exome Variant Server 0.00016; ExAC 0.00005; gnomAD exomes 0.00005 and 0.00013; gnomAD 0.00009 and 0.00010; TOPMed 0.00009.
gnomAD v4.1: 202 of 1,611,054 alleles (0.013%); highest among the groups gnomAD compares: Non-Finnish European, 0.016%; no homozygotes.

Submissions (2):

Labcorp Genetics (formerly Invitae), Labcorp
Classification: Uncertain significance. Last evaluated: 2025-09-14. Review status: criteria provided, single submitter. Criteria: Invitae Variant Classification Sherloc (09022015). Collection method: clinical testing. Allele origin: germline.
Comment: This sequence change replaces arginine, which is basic and polar, with histidine, which is basic and polar, at codon 58 of the RNF31 protein (p.Arg58His). This variant is present in population databases (rs201926987, gnomAD 0.008%). This variant has not been reported in the literature in individuals affected with RNF31-related conditions. ClinVar contains an entry for this variant (Variation ID: 1439317). An algorithm developed to predict the effect of missense changes on protein structure and function (PolyPhen-2) suggests that this variant is likely to be tolerated. In summary, the available evidence is currently insufficient to determine the role of this variant in disease. Therefore, it has been classified as a Variant of Uncertain Significance.

Ambry Genetics
Classification: Uncertain significance. Last evaluated: 2024-09-09. Review status: criteria provided, single submitter. Criteria: Ambry Variant Classification Scheme 2023. Collection method: clinical testing. Allele origin: germline.